The following is an entry in ClinVar:

ClinVar aggregate classification (germline): Uncertain significance (1 of 4 stars; one submission).

gnomAD v4.1: 2 of 1,614,052 alleles (0.00012%); highest among the groups gnomAD compares: Admixed American, 0.0033%; no homozygotes.

Submission:

Labcorp Genetics (formerly Invitae), Labcorp
Classification: Uncertain significance. Last evaluated: 2024-11-03. Review status: criteria provided, single submitter. Criteria: Invitae Variant Classification Sherloc (09022015). Collection method: clinical testing. Allele origin: germline.
Comment: This sequence change replaces glutamic acid, which is acidic and polar, with aspartic acid, which is acidic and polar, at codon 945 of the ABCC8 protein (p.Glu945Asp). This variant is present in population databases (no rsID available, gnomAD 0.003%). This variant has not been reported in the literature in individuals affected with ABCC8-related conditions. Invitae Evidence Modeling of protein sequence and biophysical properties (such as structural, functional, and spatial information, amino acid conservation, physicochemical variation, residue mobility, and thermodynamic stability) indicates that this missense variant is not expected to disrupt ABCC8 protein function with a negative predictive value of 95%. In summary, the available evidence is currently insufficient to determine the role of this variant in disease. Therefore, it has been classified as a Variant of Uncertain Significance.

NM_000352.6(ABCC8):c.2835G>C (p.Glu945Asp)

Gene: ABCC8 (ATP binding cassette subfamily C member 8; minus strand). Cytogenetic location: 11p15.1.
Variant type: single nucleotide variant.
Coding change: c.2835G>C on transcript NM_000352.6 (MANE Select); coding-DNA position 2835, G replaced by C.
Protein change: p.Glu945Asp; replaces glutamic acid 945 with aspartic acid.
Molecular consequence: missense variant. On other transcripts: non-coding transcript variant (1).
Genome position (GRCh38, 1-based): chr11:17,407,439, C>G on the plus strand (G>C on the coding strand, the complement: ABCC8 is on the minus strand). VCF-style: chr11-17407439-C-G. GRCh37 (hg19) VCF-style: chr11-17428986-C-G.
Other names: c.2838G>C, p.Glu946Asp (NM_001287174.3); c.2901G>C, p.Glu967Asp (NM_001351295.2); c.2835G>C, p.Glu945Asp (NM_001351296.2); c.2832G>C, p.Glu944Asp (NM_001351297.2); short protein forms E946D, E945D, E944D, E967D.
Identifiers: ClinVar variation 3676105 (VCV003676105.2).